The following is an entry in ClinVar:

ClinVar aggregate classification (germline): Conflicting classifications of pathogenicity. Review status: criteria provided, conflicting classifications (1 of 4 stars). 3 submissions from 3 submitters: Uncertain significance (1); Likely benign (1). 1 of the submissions does not count toward it. Last evaluated 2019-11-05.

Conditions:
CEP290-related disorder. Also called: CEP290-related condition; CEP290-related disorders. Identifiers: MedGen CN239314.
Nephronophthisis. Also called: Juvenile Nephronophthisis. Identifiers: Orphanet 655, MedGen C0687120, MONDO:0019005, HP:0000090.
Meckel-Gruber syndrome. Also called: GRUBER SYNDROME; DYSENCEPHALIA SPLANCHNOCYSTICA; Dysencephalia splachnocystica. Identifiers: Orphanet 564, MedGen C0265215, MONDO:0018921.
Joubert syndrome. Also called: JOUBERT-BOLTSHAUSER SYNDROME; Familial aplasia of the vermis. Identifiers: Orphanet 475, MedGen C5979921, MONDO:0018772.

Allele frequency attached by ClinVar (database versions not stated): gnomAD exomes below 0.00001; ExAC 0.00001; gnomAD 0.00001; TOPMed 0.00001.
gnomAD v4.1: 2 of 1,610,118 alleles (0.00012%); highest among the groups gnomAD compares: African/African-American, 0.0013%; no homozygotes.

Submissions (3):

Blueprint Genetics
Classification: Uncertain significance. Last evaluated: 2019-11-05. Review status: criteria provided, single submitter. Criteria: ACMG Guidelines, 2015. Collection method: clinical testing. Allele origin: germline.

Labcorp Genetics (formerly Invitae), Labcorp
Classification: Likely benign for Joubert syndrome; Meckel-Gruber syndrome; Nephronophthisis. Last evaluated: 2018-10-04. Review status: criteria provided, single submitter. Criteria: Invitae Variant Classification Sherloc (09022015). Collection method: clinical testing. Allele origin: germline.

PreventionGenetics, part of Exact Sciences
Classification: Uncertain significance for CEP290-related condition. Last evaluated: 2024-07-24. Review status: no assertion criteria provided. Collection method: clinical testing. Allele origin: germline. Not counted in ClinVar's aggregate classification.
Comment: The CEP290 c.3342G>A variant is not predicted to result in an amino acid change (p.=). This variant is predicted to introduce a cryptic splice site in exon 29 (Alamut Visual Plus v1.6.1). To our knowledge, this variant has not been reported in the literature. This variant is reported in 0.0066% of alleles in individuals of African descent in gnomAD. At this time, the clinical significance of this variant is uncertain due to the absence of conclusive functional and genetic evidence.

NM_025114.4(CEP290):c.3342G>A (p.Val1114=)

Gene: CEP290 (centrosomal protein 290; minus strand). Cytogenetic location: 12q21.32.
Variant type: single nucleotide variant.
Coding change: c.3342G>A on transcript NM_025114.4 (MANE Select); coding-DNA position 3342, G replaced by A.
Protein change: p.Val1114=; no amino-acid change (valine 1114 retained).
Molecular consequence: synonymous variant.
Genome position (GRCh38, 1-based): chr12:88,092,800, C>T on the plus strand (G>A on the coding strand, the complement: CEP290 is on the minus strand). VCF-style: chr12-88092800-C-T. GRCh37 (hg19) VCF-style: chr12-88486577-C-T.
Identifiers: ClinVar variation 461780 (VCV000461780.12), dbSNP rs754811220, ClinGen allele CA6712157.